The following is an entry in ClinVar:

ClinVar aggregate classification (germline): Benign/Likely benign. Review status: criteria provided, multiple submitters, no conflicts (2 of 4 stars). 2 submissions from 2 submitters: Benign (1); Likely benign (1). Last evaluated 2026-06-22.

Conditions:
Hereditary cancer-predisposing syndrome. Also called: Tumor predisposition; Hereditary Cancer Syndrome; Hereditary neoplastic syndrome; Neoplastic Syndromes, Hereditary. Identifiers: Orphanet 140162, MedGen C0027672, MeSH D009386, MONDO:0015356.
Familial cancer of breast. Also called: Hereditary breast cancer; BREAST CANCER, FAMILIAL; hereditary breast carcinoma. Identifiers: Orphanet 227535, MedGen C0346153, MONDO:0016419, OMIM 114480. Disease mechanism: loss of function.

Submissions (2):

Ambry Genetics
Classification: Likely benign for Hereditary cancer-predisposing syndrome. Last evaluated: 2026-06-22. Review status: criteria provided, single submitter. Criteria: Ambry Variant Classification Scheme 2023. Collection method: clinical testing. Allele origin: germline.

Myriad Genetics, Inc.
Classification: Benign for Familial cancer of breast. Last evaluated: 2024-07-19. Review status: criteria provided, single submitter. Criteria: Myriad Autosomal Dominant, Autosomal Recessive and X-Linked Classification Criteria (2023). Collection method: clinical testing. Allele origin: unknown.
Comment: This variant is considered benign. This variant is a silent/synonymous amino acid change and it is not expected to impact splicing.

NM_000465.4(BARD1):c.339T>C (p.Asn113=)

Gene: BARD1 (BRCA1 associated RING domain 1; minus strand). Cytogenetic location: 2q35.
Variant type: single nucleotide variant.
Coding change: c.339T>C on transcript NM_000465.4 (MANE Select); coding-DNA position 339, T replaced by C.
Protein change: p.Asn113=; no amino-acid change (asparagine 113 retained).
Molecular consequence: synonymous variant. On other transcripts: non-coding transcript variant (1), intron variant (2).
Genome position (GRCh38, 1-based): chr2:214,792,322, A>G on the plus strand (T>C on the coding strand, the complement: BARD1 is on the minus strand). VCF-style: chr2-214792322-A-G. GRCh37 (hg19) VCF-style: chr2-215657046-A-G.
Other names: c.282T>C, p.Asn94= (NM_001282543.2); c.339T>C, p.Asn113= (NM_001282549.2); c.158+17090T>C (NM_001282548.2); c.215+4739T>C (NM_001282545.2); c.339T>C (NM_000465.2).
Identifiers: ClinVar variation 3378727 (VCV003378727.2).
Genomic context (GRCh38, chr2:214,792,322, plus strand): 5'-TGAATTTAACTAAGAGAGATAGGGATAGTTCTTACCTGACAGCTCATTGTCATGTAGCAA[A>G]TTTCGAAGCTTACTACAAAGTTGAATCATGCTGTCCAGTTGTCTATTTATCTTCAAGTCT-3'
Protein context (NP_000456.2, residues 103-123): SMIQLCSKLR[Asn113=]LLHDNELSDL